The following is an entry in ClinVar:

NM_031220.4(PITPNM3):c.716G>A (p.Arg239Gln)

Gene: PITPNM3 (PITPNM family member 3; minus strand). Cytogenetic location: 17p13.2.
Variant type: single nucleotide variant.
Coding change: c.716G>A on transcript NM_031220.4 (MANE Select); coding-DNA position 716, G replaced by A.
Protein change: p.Arg239Gln; replaces arginine 239 with glutamine.
Molecular consequence: missense variant.
Genome position (GRCh38, 1-based): chr17:6,478,608, C>T on the plus strand (G>A on the coding strand, the complement: PITPNM3 is on the minus strand). VCF-style: chr17-6478608-C-T. GRCh37 (hg19) VCF-style: chr17-6381928-C-T.
Other names: c.608G>A, p.Arg203Gln (NM_001165966.2); short protein forms R239Q, R203Q.
Identifiers: ClinVar variation 2059756 (VCV002059756.5), dbSNP rs751378793, ClinGen allele CA8329762.

ClinVar aggregate classification (germline): Uncertain significance. Review status: criteria provided, multiple submitters, no conflicts (2 of 4 stars). 2 submissions from 2 submitters: Uncertain significance (2). Last evaluated 2023-07-31.

Allele frequency attached by ClinVar (database versions not stated): ExAC 0.00001; gnomAD exomes 0.00001; TOPMed 0.00001; gnomAD 0.00002.
gnomAD v4.1: 19 of 1,613,952 alleles (0.0012%); highest among the groups gnomAD compares: Middle Eastern, 0.016%; no homozygotes.

Submissions (2):

Labcorp Genetics (formerly Invitae), Labcorp
Classification: Uncertain significance. Last evaluated: 2023-07-31. Review status: criteria provided, single submitter. Criteria: Invitae Variant Classification Sherloc (09022015). Collection method: clinical testing. Allele origin: germline.
Comment: This sequence change replaces arginine, which is basic and polar, with glutamine, which is neutral and polar, at codon 239 of the PITPNM3 protein (p.Arg239Gln). This variant is present in population databases (rs751378793, gnomAD 0.002%). This variant has not been reported in the literature in individuals affected with PITPNM3-related conditions. ClinVar contains an entry for this variant (Variation ID: 2059756). Advanced modeling of protein sequence and biophysical properties (such as structural, functional, and spatial information, amino acid conservation, physicochemical variation, residue mobility, and thermodynamic stability) performed at Invitae indicates that this missense variant is not expected to disrupt PITPNM3 protein function. In summary, the available evidence is currently insufficient to determine the role of this variant in disease. Therefore, it has been classified as a Variant of Uncertain Significance.

Blueprint Genetics
Classification: Uncertain significance. Last evaluated: 2022-07-17. Review status: criteria provided, single submitter. Criteria: ACMG Guidelines, 2015. Collection method: clinical testing. Allele origin: germline.